The following is an entry in ClinVar:

ClinVar aggregate classification (germline): Uncertain significance (1 of 4 stars; one submission).

Conditions:
Autosomal recessive distal spinal muscular atrophy 1. Also called: HMN VI; Spinal muscular atrophy with respiratory distress 1; NEURONOPATHY, SEVERE INFANTILE AXONAL, WITH RESPIRATORY FAILURE; SEVERE INFANTILE AXONAL NEUROPATHY WITH RESPIRATORY FAILURE; SPINAL MUSCULAR ATROPHY, DIAPHRAGMATIC; NEURONOPATHY, DISTAL HEREDITARY MOTOR, HARDING TYPE VI. Identifiers: Orphanet 98920, MedGen C1858517, MONDO:0011436, OMIM 604320.
Charcot-Marie-Tooth disease axonal type 2S. Also called: CHARCOT-MARIE-TOOTH NEUROPATHY, TYPE 2S; CHARCOT-MARIE-TOOTH DISEASE, AXONAL, AUTOSOMAL RECESSIVE, TYPE 2S. Identifiers: Orphanet 443073, MedGen C4015349, MONDO:0014511, OMIM 616155.

Submission:

Labcorp Genetics (formerly Invitae), Labcorp
Classification: Uncertain significance for Autosomal recessive distal spinal muscular atrophy 1; Charcot-Marie-Tooth disease axonal type 2S. Last evaluated: 2022-03-19. Review status: criteria provided, single submitter. Criteria: Invitae Variant Classification Sherloc (09022015). Collection method: clinical testing. Allele origin: germline.
Comment: In summary, the available evidence is currently insufficient to determine the role of this variant in disease. Therefore, it has been classified as a Variant of Uncertain Significance. Advanced modeling of protein sequence and biophysical properties (such as structural, functional, and spatial information, amino acid conservation, physicochemical variation, residue mobility, and thermodynamic stability) performed at Invitae indicates that this missense variant is expected to disrupt IGHMBP2 protein function. This variant has not been reported in the literature in individuals affected with IGHMBP2-related conditions. This variant is not present in population databases (gnomAD no frequency). This sequence change replaces proline, which is neutral and non-polar, with arginine, which is basic and polar, at codon 487 of the IGHMBP2 protein (p.Pro487Arg).

NM_002180.3(IGHMBP2):c.1460C>G (p.Pro487Arg)

Gene: IGHMBP2 (immunoglobulin mu DNA binding protein 2; plus strand). Cytogenetic location: 11q13.3.
Variant type: single nucleotide variant.
Coding change: c.1460C>G on transcript NM_002180.3 (MANE Select); coding-DNA position 1460, C replaced by G.
Protein change: p.Pro487Arg; replaces proline 487 with arginine.
Molecular consequence: missense variant.
Genome position (GRCh38, 1-based): chr11:68,933,836, C>G. VCF-style: chr11-68933836-C-G. GRCh37 (hg19) VCF-style: chr11-68701304-C-G.
Other names: short protein forms P487R.
Identifiers: ClinVar variation 2111840 (VCV002111840.4), dbSNP rs2496056920, ClinGen allele CA381649844.